The following is an entry in ClinVar:

NM_007294.4(BRCA1):c.2856_2857del (p.Phe952fs)

Gene: BRCA1 (BRCA1 DNA repair associated; minus strand). Cytogenetic location: 17q21.31.
Variant type: Deletion.
Coding change: c.2856_2857del on transcript NM_007294.4 (MANE Select); coding-DNA positions 2856 to 2857, 2 bases deleted (TT; older notation c.2856_2857delTT).
Protein change: p.Phe952fs; shifts the reading frame from phenylalanine 952.
Molecular consequence: frameshift variant. On other transcripts: intron variant (137).
Genome position (GRCh38, 1-based): chr17:43,092,674-43,092,675, AA deleted on the plus strand (TT on the coding strand, the reverse complement: BRCA1 is on the minus strand); deleting any 2 consecutive bases within chr17:43,092,674-43,092,677 gives the same sequence; the c. name uses the placement nearest the transcript's 3' end. VCF-style (leftmost placement, unchanged base first): chr17-43092673-CAA-C. GRCh37 (hg19) VCF-style: chr17-41244690-CAA-C.
Other names: 2975_2976delTT; c.2856_2857delTT (NM_007294.3); c.2475_2476del, p.Phe825fs (NM_001407960.1, NM_001407963.1, NM_001407959.1); c.2472_2473del, p.Phe824fs (NM_001407962.1); c.2712_2713del, p.Phe904fs (NM_001407964.1, NM_001407740.1, NM_001407741.1 and 20 more transcripts); c.2352_2353del, p.Phe784fs (NM_001407965.1); c.1968_1969del, p.Phe656fs (NM_001407966.1, NM_001407967.1); c.2715_2716del, p.Phe905fs (NM_007297.4, NM_001407692.1, NM_001407694.1 and 29 more transcripts); and 43 more; short protein forms F952fs, F905fs, F825fs, F863fs, F864fs, F911fs, F656fs, F840fs.
Identifiers: ClinVar variation 54700 (VCV000054700.16), dbSNP rs397509019, ClinGen allele CA001859.

ClinVar aggregate classification (germline): Pathogenic. Review status: reviewed by expert panel (3 of 4 stars). 4 submissions from 4 submitters: Pathogenic (1). 3 of the submissions do not count toward it. Last evaluated 2016-10-18.

Conditions:
Hereditary breast ovarian cancer syndrome. Also called: Hereditary breast and ovarian cancer syndrome (HBOC); Hereditary breast and ovarian cancer syndrome; Hereditary breast and ovarian cancer; Hereditary breast and/or ovarian cancer syndrome; Breast and ovarian cancer; BRCA1- and BRCA2-Associated Hereditary Breast and Ovarian Cancer. Identifiers: Orphanet 145, MedGen C0677776, MeSH D061325, MONDO:0003582. Disease mechanism: loss of function.
Breast-ovarian cancer, familial, susceptibility to, 1 (BROVCA1). Also called: OVARIAN CANCER, SUSCEPTIBILITY TO; BRCA1 Hereditary Breast and Ovarian Cancer. Identifiers: Orphanet 145, MedGen C2676676, MONDO:0011450, OMIM 604370. Disease mechanism: loss of function.

Submissions (4):

Evidence-based Network for the Interpretation of Germline Mutant Alleles (ENIGMA)
Classification: Pathogenic for Breast-ovarian cancer, familial, susceptibility to, 1. Last evaluated: 2016-10-18. Review status: reviewed by expert panel. Criteria: ENIGMA BRCA1/2 Classification Criteria (2015). Collection method: curation. Allele origin: germline.
Comment: Variant allele predicted to encode a truncated non-functional protein.

Labcorp Genetics (formerly Invitae), Labcorp
Classification: Pathogenic for Hereditary breast ovarian cancer syndrome. Last evaluated: 2019-03-28. Review status: criteria provided, single submitter. Criteria: Invitae Variant Classification Sherloc (09022015). Collection method: clinical testing. Allele origin: germline. Not counted in ClinVar's aggregate classification.
Comment: Loss-of-function variants in BRCA1 are known to be pathogenic (PMID: 20104584). This variant has been observed in individuals affected with breast and/or ovarian cancer (PMID: 22798144). ClinVar contains an entry for this variant (Variation ID: 54700). This variant is not present in population databases (ExAC no frequency). This sequence change creates a premature translational stop signal (p.Phe952Leufs*18) in the BRCA1 gene. It is expected to result in an absent or disrupted protein product. For these reasons, this variant has been classified as Pathogenic.

GeneDx
Classification: Pathogenic. Last evaluated: 2017-06-22. Review status: criteria provided, single submitter. Criteria: GeneDx Variant Classification (06012015). Collection method: clinical testing. Allele origin: germline. Affected: yes. Not counted in ClinVar's aggregate classification.
Comment: This deletion of two nucleotides in BRCA1 is denoted c.2856_2857delTT at the cDNA level and p.Phe952LeufsX18 (F952LfsX18) at the protein level. The normal sequence, with the bases that are deleted in brackets, is GGTT[delTT]GTCT. The deletion causes a frameshift which changes a Phenylalanine to a Leucine at codon 952, and creates a premature stop codon at position 18 of the new reading frame. This variant is predicted to cause loss of normal protein function through either protein truncation or nonsense-mediated mRNA decay. BRCA1 c.2856_2857delTT, previously published as 2975delTT using alternate nomenclature, has been reported in Korean women with breast cancer (Kim 2012, Kang 2015). We consider this variant to be pathogenic.

Consortium of Investigators of Modifiers of BRCA1/2 (CIMBA), c/o University of Cambridge
Classification: Pathogenic for Breast-ovarian cancer, familial, susceptibility to, 1. Last evaluated: 2015-10-02. Review status: criteria provided, single submitter. Criteria: CIMBA Mutation Classification guidelines May 2016. Collection method: clinical testing. Allele origin: germline. Not counted in ClinVar's aggregate classification.

Literature cited by the submitters: PubMed 20104584 (cited by Labcorp Genetics (formerly Invitae), Labcorp); PubMed 22798144 (cited by Labcorp Genetics (formerly Invitae), Labcorp).